The following is an entry in ClinVar:

ClinVar aggregate classification (germline): Likely benign (0 of 4 stars; one submission).

Conditions:
KSR2-related disorder. Also called: KSR2-related condition.

Submission:

PreventionGenetics, part of Exact Sciences
Classification: Likely benign for KSR2-related condition. Last evaluated: 2023-12-08. Review status: no assertion criteria provided. Collection method: clinical testing. Allele origin: germline.
Comment: This variant is classified as likely benign based on ACMG/AMP sequence variant interpretation guidelines (Richards et al. 2015 PMID: 25741868, with internal and published modifications).

NM_173598.6(KSR2):c.390T>C (p.Thr130=)

Gene: KSR2 (kinase suppressor of ras 2; minus strand). Cytogenetic location: 12q24.23.
Variant type: single nucleotide variant.
Coding change: c.390T>C on transcript NM_173598.6 (MANE Select); coding-DNA position 390, T replaced by C.
Protein change: p.Thr130=; no amino-acid change (threonine 130 retained).
Molecular consequence: synonymous variant.
Genome position (GRCh38, 1-based): chr12:117,855,510, A>G on the plus strand (T>C on the coding strand, the complement: KSR2 is on the minus strand). VCF-style: chr12-117855510-A-G. GRCh37 (hg19) VCF-style: chr12-118293315-A-G.
Identifiers: ClinVar variation 3349215 (VCV003349215.1).